The following is an entry in ClinVar:

ClinVar aggregate classification (germline): Uncertain significance. Review status: criteria provided, multiple submitters, no conflicts (2 of 4 stars). 3 submissions from 3 submitters: Uncertain significance (2). 1 of the submissions does not count toward it. Last evaluated 2025-05-11.

Conditions:
Ehlers-Danlos syndrome, periodontal type 2. Identifiers: MedGen C4310681, MONDO:0014954, OMIM 617174.

Allele frequency attached by ClinVar (database versions not stated): gnomAD 0.00001; gnomAD exomes 0.00001; TOPMed 0.00001.

Submissions (3):

Labcorp Genetics (formerly Invitae), Labcorp
Classification: Uncertain significance. Last evaluated: 2025-05-11. Review status: criteria provided, single submitter. Criteria: Invitae Variant Classification Sherloc (09022015). Collection method: clinical testing. Allele origin: germline.
Comment: This sequence change replaces glycine, which is neutral and non-polar, with arginine, which is basic and polar, at codon 243 of the C1S protein (p.Gly243Arg). This variant is not present in population databases (gnomAD no frequency). This variant has not been reported in the literature in individuals affected with C1S-related conditions. ClinVar contains an entry for this variant (Variation ID: 2439618). An algorithm developed to predict the effect of missense changes on protein structure and function outputs the following: PolyPhen-2: "Benign". The arginine amino acid residue is found in multiple mammalian species, which suggests that this missense change does not adversely affect protein function. Algorithms developed to predict the effect of sequence changes on RNA splicing suggest that this variant may disrupt the consensus splice site. In summary, the available evidence is currently insufficient to determine the role of this variant in disease. Therefore, it has been classified as a Variant of Uncertain Significance.

Revvity Omics, Revvity
Classification: Uncertain significance. Last evaluated: 2020-12-03. Review status: criteria provided, single submitter. Criteria: ACMG Guidelines, 2015. Collection method: clinical testing. Allele origin: germline.

Zotz-Klimas Genetics Lab, MVZ Zotz Klimas
Classification: Uncertain significance for Ehlers-Danlos syndrome, periodontal type 2. Last evaluated: 2023-10-09. Review status: no assertion criteria provided. Collection method: clinical testing. Allele origin: germline. Affected: yes. Not counted in ClinVar's aggregate classification.

NM_001734.5(C1S):c.727G>A (p.Gly243Arg)

Gene: C1S (complement C1s; plus strand). Cytogenetic location: 12p13.31.
Variant type: single nucleotide variant.
Coding change: c.727G>A on transcript NM_001734.5 (MANE Select); coding-DNA position 727, G replaced by A.
Protein change: p.Gly243Arg; replaces glycine 243 with arginine.
Molecular consequence: missense variant.
Genome position (GRCh38, 1-based): chr12:7,065,826, G>A. VCF-style: chr12-7065826-G-A. GRCh37 (hg19) VCF-style: chr12-7173130-G-A.
Other names: c.226G>A, p.Gly76Arg (NM_001346850.2); c.727G>A, p.Gly243Arg (NM_201442.4); c.727G>A (NM_001734.4); short protein forms G243R, G76R.
Identifiers: ClinVar variation 2439618 (VCV002439618.7), dbSNP rs1388331401, ClinGen allele CA383696116.